The following is an entry in ClinVar:

NM_000334.4(SCN4A):c.2482C>T (p.Arg828Cys)

Genes: GH-LCR (growth hormone locus control region; plus strand), SCN4A (sodium voltage-gated channel alpha subunit 4; minus strand). Cytogenetic location: 17q23.3.
Variant type: single nucleotide variant.
Coding change: c.2482C>T on transcript NM_000334.4 (MANE Select); coding-DNA position 2482, C replaced by T.
Protein change: p.Arg828Cys; replaces arginine 828 with cysteine.
Molecular consequence: missense variant.
Genome position (GRCh38, 1-based): chr17:63,951,795, G>A on the plus strand (C>T on the coding strand, the complement: SCN4A is on the minus strand). VCF-style: chr17-63951795-G-A. GRCh37 (hg19) VCF-style: chr17-62029155-G-A.
Other names: short protein forms R828C.
Identifiers: ClinVar variation 2296543 (VCV002296543.5), dbSNP rs760147196, ClinGen allele CA8709572.

ClinVar aggregate classification (germline): Uncertain significance. Review status: criteria provided, multiple submitters, no conflicts (2 of 4 stars). 2 submissions from 2 submitters: Uncertain significance (2). Last evaluated 2026-01-27.

Conditions:
Hyperkalemic periodic paralysis. Also called: Familial hyperkalemic periodic paralysis; Gamstorp disease. Identifiers: Orphanet 682, MedGen C0238357, MONDO:0008224, OMIM 170500, HP:0007215.
Inborn genetic diseases. Identifiers: MedGen C0950123, MeSH D030342.

Allele frequency attached by ClinVar (database versions not stated): gnomAD 0.00001.
gnomAD v4.1: 6 of 1,583,642 alleles (0.00038%); highest among the groups gnomAD compares: South Asian, 0.0012%; no homozygotes.

Submissions (2):

Labcorp Genetics (formerly Invitae), Labcorp
Classification: Uncertain significance for Hyperkalemic periodic paralysis. Last evaluated: 2026-01-27. Review status: criteria provided, single submitter. Criteria: Invitae Variant Classification Sherloc (09022015). Collection method: clinical testing. Allele origin: germline.
Comment: This sequence change replaces arginine, which is basic and polar, with cysteine, which is neutral and slightly polar, at codon 828 of the SCN4A protein (p.Arg828Cys). This variant is present in population databases (rs760147196, gnomAD 0.001%). This variant has not been reported in the literature in individuals affected with SCN4A-related conditions. ClinVar contains an entry for this variant (Variation ID: 2296543). Invitae Evidence Modeling of protein sequence and biophysical properties (such as structural, functional, and spatial information, amino acid conservation, physicochemical variation, residue mobility, and thermodynamic stability) indicates that this missense variant is expected to disrupt SCN4A protein function with a positive predictive value of 95%. In summary, the available evidence is currently insufficient to determine the role of this variant in disease. Therefore, it has been classified as a Variant of Uncertain Significance.

Ambry Genetics
Classification: Uncertain significance for Inborn genetic diseases. Last evaluated: 2022-06-24. Review status: criteria provided, single submitter. Criteria: Ambry Variant Classification Scheme 2023. Collection method: clinical testing. Allele origin: germline.